The following is an entry in ClinVar:

NM_000322.5(PRPH2):c.90_93del (p.Gly31fs)

Gene: PRPH2 (peripherin 2; minus strand). Cytogenetic location: 6p21.1.
Variant type: Microsatellite.
Coding change: c.90_93del on transcript NM_000322.5 (MANE Select); coding-DNA positions 90 to 93, 4 bases deleted (TGGC; older notation c.90_93delTGGC).
Protein change: p.Gly31fs; shifts the reading frame from glycine 31.
Molecular consequence: frameshift variant.
Genome position (GRCh38, 1-based): chr6:42,722,242-42,722,245, GCCA deleted on the plus strand (TGGC on the coding strand, the reverse complement: PRPH2 is on the minus strand); deleting any 4 consecutive bases within chr6:42,722,242-42,722,249 gives the same sequence; the c. name uses the placement nearest the transcript's 3' end. VCF-style (leftmost placement, unchanged base first): chr6-42722241-TGCCA-T. GRCh37 (hg19) VCF-style: chr6-42689979-TGCCA-T.
Other names: short protein forms G31fs.
Identifiers: ClinVar variation 1420271 (VCV001420271.6), dbSNP rs2152011112, ClinGen allele CA2580614878.

ClinVar aggregate classification (germline): Pathogenic (1 of 4 stars; one submission).

Conditions:
PRPH2-related disorder. Also called: PRPH2-related condition; PRPH2-related disorders. Identifiers: MedGen CN239395.

Submission:

Labcorp Genetics (formerly Invitae), Labcorp
Classification: Pathogenic for PRPH2-related disorder. Last evaluated: 2021-10-22. Review status: criteria provided, single submitter. Criteria: Invitae Variant Classification Sherloc (09022015). Collection method: clinical testing. Allele origin: germline.
Comment: This sequence change creates a premature translational stop signal (p.Gly31Serfs*6) in the PRPH2 gene. It is expected to result in an absent or disrupted protein product. Loss-of-function variants in PRPH2 are known to be pathogenic (PMID: 8111389, 8485575, 8485576, 8675410, 16916875, 17504850, 25675413, 26061163, 27365499, 29555955). For these reasons, this variant has been classified as Pathogenic. This variant has not been reported in the literature in individuals affected with PRPH2-related conditions. This variant is not present in population databases (gnomAD no frequency).

Literature cited by the submitters: PubMed 8111389; PubMed 8485575; PubMed 8485576; PubMed 8675410; PubMed 16916875; PubMed 17504850; PubMed 25675413; PubMed 26061163; PubMed 27365499; PubMed 29555955.